The following is an entry in ClinVar:

NM_006662.3(SRCAP):c.5359A>G (p.Thr1787Ala)

Gene: SRCAP (Snf2 related CREBBP activator protein; plus strand). Cytogenetic location: 16p11.2.
Variant type: single nucleotide variant.
Coding change: c.5359A>G on transcript NM_006662.3 (MANE Select); coding-DNA position 5359, A replaced by G.
Protein change: p.Thr1787Ala; replaces threonine 1787 with alanine.
Molecular consequence: missense variant.
Genome position (GRCh38, 1-based): chr16:30,724,783, A>G. VCF-style: chr16-30724783-A-G. GRCh37 (hg19) VCF-style: chr16-30736104-A-G.
Other names: short protein forms T1787A.
Identifiers: ClinVar variation 2871269 (VCV002871269.4), dbSNP rs767055843, ClinGen allele CA8011951.
Genomic context (GRCh38, chr16:30,724,783, plus strand): 5'-ACGCTGACTTTGGCTCCAGCATCGTCATCTGCTTCACTCCTGGCCCCAGCTTCAGTGCAG[A>G]CACTGACCTTGAGCCCTGCCCCAGTTCCTACCCTGGGCCCGGCCGCAGCTCAGACCTTGG-3'
Protein context (NP_006653.2, residues 1777-1797): ASLLAPASVQ[Thr1787Ala]LTLSPAPVPT

ClinVar aggregate classification (germline): Uncertain significance. Review status: criteria provided, multiple submitters, no conflicts (2 of 4 stars). 2 submissions from 2 submitters: Uncertain significance (2). Last evaluated 2024-02-18.

Conditions:
Developmental delay, hypotonia, musculoskeletal defects, and behavioral abnormalities. Identifiers: MedGen C5562012, MONDO:0859202, OMIM 619595.
Floating-Harbor syndrome (FLHS). Also called: Short stature with delayed bone age, expressive language delay, a triangular face with a prominent nose and deep-set eyes; Pelletier-Leisti syndrome; SRCAP-Related Floating-Harbor Syndrome. Identifiers: Orphanet 2044, MedGen C0729582, MONDO:0007621, OMIM 136140.

Allele frequency attached by ClinVar (database versions not stated): ExAC 0.00001; gnomAD exomes 0.00001; TOPMed 0.00001.
gnomAD v4.1: 18 of 1,613,576 alleles (0.0011%); highest among the groups gnomAD compares: Non-Finnish European, 0.0014%; no homozygotes.

Submissions (2):

Fulgent Genetics
Classification: Uncertain significance for Floating-Harbor syndrome; Developmental delay, hypotonia, musculoskeletal defects, and behavioral abnormalities. Last evaluated: 2024-02-18. Review status: criteria provided, single submitter. Criteria: ACMG Guidelines, 2015. Collection method: clinical testing. Allele origin: germline.

Labcorp Genetics (formerly Invitae), Labcorp
Classification: Uncertain significance. Last evaluated: 2023-01-26. Review status: criteria provided, single submitter. Criteria: Invitae Variant Classification Sherloc (09022015). Collection method: clinical testing. Allele origin: germline.
Comment: In summary, the available evidence is currently insufficient to determine the role of this variant in disease. Therefore, it has been classified as a Variant of Uncertain Significance. Advanced modeling of protein sequence and biophysical properties (such as structural, functional, and spatial information, amino acid conservation, physicochemical variation, residue mobility, and thermodynamic stability) performed at Invitae indicates that this missense variant is not expected to disrupt SRCAP protein function. This variant has not been reported in the literature in individuals affected with SRCAP-related conditions. This variant is present in population databases (rs767055843, gnomAD 0.003%). This sequence change replaces threonine, which is neutral and polar, with alanine, which is neutral and non-polar, at codon 1787 of the SRCAP protein (p.Thr1787Ala).